The following is an entry in ClinVar:

ClinVar aggregate classification (germline): Uncertain significance. Review status: criteria provided, multiple submitters, no conflicts (2 of 4 stars). 4 submissions from 4 submitters: Uncertain significance (4). Last evaluated 2025-12-09.

Conditions:
Cardiovascular phenotype. Identifiers: MedGen CN230736.
Episodic pain syndrome, familial, 2 (FEPS2). Identifiers: Orphanet 306577, MedGen C3809893, MONDO:0014246, OMIM 615551.
Brugada syndrome. Also called: Sudden unexpected nocturnal death syndrome; Sudden unexplained nocturnal death syndrome; Sudden Unexplained Death Syndrome; Sudden Unexplained Nocturnal Death Syndrome (SUNDS). Identifiers: Orphanet 130, MedGen C1142166, MONDO:0015263.

Allele frequency attached by ClinVar (database versions not stated): TOPMed 0.00003; gnomAD 0.00002.

Submissions (4):

Women's Health and Genetics/Laboratory Corporation of America, LabCorp
Classification: Uncertain significance. Last evaluated: 2025-12-09. Review status: criteria provided, single submitter. Criteria: LabCorp Variant Classification Summary - May 2015. Collection method: clinical testing. Allele origin: germline.
Comment: Variant summary: SCN10A c.2275C>G (p.Arg759Gly) results in a non-conservative amino acid change in the encoded protein sequence. Algorithms developed to predict the effect of missense changes on protein structure and function all suggest that this variant is likely to be disruptive. The variant allele was found at a frequency of 6e-05 in 249420 control chromosomes. This frequency is not significantly higher than estimated for disease-causing variants in SCN10A, allowing no conclusion about variant significance. To our knowledge, no occurrence of c.2275C>G in individuals affected with SCN10A-related conditions and no experimental evidence demonstrating its impact on protein function have been reported. ClinVar contains an entry for this variant (Variation ID: 568896). Based on the evidence outlined above, the variant was classified as uncertain significance.

Labcorp Genetics (formerly Invitae), Labcorp
Classification: Uncertain significance for Brugada syndrome. Last evaluated: 2025-08-09. Review status: criteria provided, single submitter. Criteria: Invitae Variant Classification Sherloc (09022015). Collection method: clinical testing. Allele origin: germline.
Comment: This sequence change replaces arginine, which is basic and polar, with glycine, which is neutral and non-polar, at codon 759 of the SCN10A protein (p.Arg759Gly). This variant is present in population databases (rs745659019, gnomAD 0.01%). This variant has not been reported in the literature in individuals affected with SCN10A-related conditions. ClinVar contains an entry for this variant (Variation ID: 568896). Invitae Evidence Modeling of protein sequence and biophysical properties (such as structural, functional, and spatial information, amino acid conservation, physicochemical variation, residue mobility, and thermodynamic stability) indicates that this missense variant is expected to disrupt SCN10A protein function with a positive predictive value of 80%. In summary, the available evidence is currently insufficient to determine the role of this variant in disease. Therefore, it has been classified as a Variant of Uncertain Significance.

Ambry Genetics
Classification: Uncertain significance for Cardiovascular phenotype. Last evaluated: 2024-07-25. Review status: criteria provided, single submitter. Criteria: Ambry Variant Classification Scheme 2023. Collection method: clinical testing. Allele origin: germline.
Comment: The p.R759G variant (also known as c.2275C>G), located in coding exon 14 of the SCN10A gene, results from a C to G substitution at nucleotide position 2275. The arginine at codon 759 is replaced by glycine, an amino acid with dissimilar properties. This amino acid position is conserved. In addition, this alteration is predicted to be deleterious by in silico analysis. The evidence for this gene-disease relationship is limited; therefore, the clinical significance of this alteration is unclear.

Fulgent Genetics
Classification: Uncertain significance for Episodic pain syndrome, familial, 2. Last evaluated: 2021-10-29. Review status: criteria provided, single submitter. Criteria: ACMG Guidelines, 2015. Collection method: clinical testing. Allele origin: unknown.

NM_006514.4(SCN10A):c.2275C>G (p.Arg759Gly)

Gene: SCN10A (sodium voltage-gated channel alpha subunit 10; minus strand). Cytogenetic location: 3p22.2.
Variant type: single nucleotide variant.
Coding change: c.2275C>G on transcript NM_006514.4 (MANE Select); coding-DNA position 2275, C replaced by G.
Protein change: p.Arg759Gly; replaces arginine 759 with glycine.
Molecular consequence: missense variant.
Genome position (GRCh38, 1-based): chr3:38,739,520, G>C on the plus strand (C>G on the coding strand, the complement: SCN10A is on the minus strand). VCF-style: chr3-38739520-G-C. GRCh37 (hg19) VCF-style: chr3-38781011-G-C.
Other names: c.2275C>G, p.Arg759Gly (NM_001293306.2); c.1981C>G, p.Arg661Gly (NM_001293307.2); short protein forms R759G, R661G.
Identifiers: ClinVar variation 568896 (VCV000568896.10), dbSNP rs745659019, ClinGen allele CA2320594.